The following is an entry in ClinVar:

NM_001170700.3(DTHD1):c.1219-19T>G

Gene: DTHD1 (death domain containing 1; plus strand). Cytogenetic location: 4p14.
Variant type: single nucleotide variant.
Coding change: c.1219-19T>G on transcript NM_001170700.3 (MANE Select); 19 bases into the intron before coding-DNA position 1219, T replaced by G.
Molecular consequence: intron variant.
Genome position (GRCh38, 1-based): chr4:36,293,507, T>G. VCF-style: chr4-36293507-T-G. GRCh37 (hg19) VCF-style: chr4-36295129-T-G.
Other names: c.349-19T>G (NM_001136536.5); c.349-82T>G (NM_001378435.1).
Identifiers: ClinVar variation 1417549 (VCV001417549.6), dbSNP rs2109460923, ClinGen allele CA2573137725.

ClinVar aggregate classification (germline): Uncertain significance (1 of 4 stars; one submission).

Allele frequency attached by ClinVar (database versions not stated): gnomAD exomes 0.00004.
gnomAD v4.1: 56 of 1,476,650 alleles (0.0038%); highest among the groups gnomAD compares: Non-Finnish European, 0.005%; no homozygotes.

Submission:

Labcorp Genetics (formerly Invitae), Labcorp
Classification: Uncertain significance. Last evaluated: 2021-10-25. Review status: criteria provided, single submitter. Criteria: Invitae Variant Classification Sherloc (09022015). Collection method: clinical testing. Allele origin: germline.
Comment: In summary, the available evidence is currently insufficient to determine the role of this variant in disease. Therefore, it has been classified as a Variant of Uncertain Significance. Algorithms developed to predict the effect of sequence changes on RNA splicing suggest that this variant may create or strengthen a splice site. This variant has not been reported in the literature in individuals affected with DTHD1-related conditions. This variant is not present in population databases (ExAC no frequency). This sequence change falls in intron 2 of the DTHD1 gene. It does not directly change the encoded amino acid sequence of the DTHD1 protein.